The following is an entry in ClinVar:

ClinVar aggregate classification (germline): Uncertain significance. Review status: criteria provided, multiple submitters, no conflicts (2 of 4 stars). 5 submissions from 5 submitters: Uncertain significance (5). Last evaluated 2026-06-01.

Conditions:
Fanconi anemia (FA). Also called: Fanconi's anemia. Identifiers: Orphanet 84, MedGen C0015625, MeSH D005199, MONDO:0019391.
Fanconi anemia complementation group D2. Also called: FANCD2-Related Fanconi Anemia; FANCONI PANCYTOPENIA, TYPE 4; FANCONI ANEMIA, COMPLEMENTATION GROUP D. Identifiers: Orphanet 84, MedGen C3160738, MONDO:0009214, OMIM 227646.
Fanconi anemia complementation group A (FANCA). Also called: FANCA-Related Fanconi Anemia; Fanconi anemia, group A. Identifiers: Orphanet 84, MedGen C3469521, MONDO:0009215, OMIM 227650.
Global developmental delay (DD). Also called: Cognitive delay. Identifiers: MedGen C0557874, HP:0001263. Disease mechanism: loss of function.
Cleft palate. Identifiers: Orphanet 2014, MedGen C2981150, MONDO:0016064, HP:0000175.
Intellectual disability. Also called: Intellectual developmental disorder; intellectual disabilities; Intellectual functioning disability. Identifiers: MedGen C3714756, MeSH D008607, MONDO:0001071, HP:0001249.

Submissions (5):

Women's Health and Genetics/Laboratory Corporation of America, LabCorp
Classification: Uncertain significance. Last evaluated: 2026-06-01. Review status: criteria provided, single submitter. Criteria: LabCorp Variant Classification Summary - May 2015. Collection method: clinical testing. Allele origin: germline.
Comment: Variant summary: FANCD2 c.4234_4239delAGTGAG (p.Ser1412_Glu1413del) results in an in-frame deletion that is predicted to remove two amino acids from the encoded protein. The variant allele was found at a frequency of 0.00011 in 251426 control chromosomes. This frequency is not significantly higher than estimated for disease-causing variants in FANCD2, allowing no conclusion about variant significance. c.4234_4239delAGTGAG has been observed in individuals affected with aplastic anemia or breast cancer (Yang_2015, Shen_2023). These reports do not provide unequivocal conclusions about association of the variant with disease. To our knowledge, no experimental evidence demonstrating an impact on protein function has been reported. The following publications have been ascertained in the context of this evaluation (PMID: 36622392, 25927356). ClinVar contains an entry for this variant (Variation ID: 342380). Based on the evidence outlined above, the variant was classified as uncertain significance.

Labcorp Genetics (formerly Invitae), Labcorp
Classification: Uncertain significance for Fanconi anemia. Last evaluated: 2024-07-20. Review status: criteria provided, single submitter. Criteria: Invitae Variant Classification Sherloc (09022015). Collection method: clinical testing. Allele origin: germline.
Comment: This variant, c.4234_4239del, results in the deletion of 2 amino acid(s) of the FANCD2 protein (p.Ser1412_Glu1413del), but otherwise preserves the integrity of the reading frame. This variant is present in population databases (rs766605179, gnomAD 0.1%). This variant has been observed in individual(s) with breast cancer or aplastic anemia (PMID: 25927356, 36622392). ClinVar contains an entry for this variant (Variation ID: 342380). Experimental studies and prediction algorithms are not available or were not evaluated, and the functional significance of this variant is currently unknown. In summary, the available evidence is currently insufficient to determine the role of this variant in disease. Therefore, it has been classified as a Variant of Uncertain Significance.

Fulgent Genetics
Classification: Uncertain significance for Fanconi anemia complementation group D2. Last evaluated: 2024-04-30. Review status: criteria provided, single submitter. Criteria: ACMG Guidelines, 2015. Collection method: clinical testing. Allele origin: germline.

Mendelics
Classification: Uncertain significance for Fanconi anemia complementation group A. Last evaluated: 2019-05-28. Review status: criteria provided, single submitter. Criteria: Mendelics Assertion Criteria 2017. Collection method: clinical testing. Allele origin: unknown.

Knight Diagnostic Laboratories, Oregon Health and Sciences University
Classification: Uncertain significance for Cleft palate; Global developmental delay; Intellectual disability. Last evaluated: 2019-01-10. Review status: criteria provided, single submitter. Criteria: ACMG Guidelines, 2015. Collection method: clinical testing. Allele origin: germline. Observed: 1 variant allele.

Literature cited by the submitters: PubMed 25927356 (cited by Women's Health and Genetics/Laboratory Corporation of America, LabCorp and Labcorp Genetics (formerly Invitae), Labcorp); PubMed 36622392 (cited by Women's Health and Genetics/Laboratory Corporation of America, LabCorp and Labcorp Genetics (formerly Invitae), Labcorp).

NM_001018115.3(FANCD2):c.4234_4239del (p.Ser1412_Glu1413del)

Genes: FANCD2 (FA complementation group D2; plus strand), FANCD2OS (FANCD2 opposite strand; minus strand). Cytogenetic location: 3p25.3.
Variant type: Deletion.
Coding change: c.4234_4239del on transcript NM_001018115.3 (MANE Select); coding-DNA positions 4234 to 4239, 6 bases deleted (AGTGAG; older notation c.4234_4239delAGTGAG).
Protein change: p.Ser1412_Glu1413del.
Molecular consequence: inframe deletion. On other transcripts: intron variant (1).
Genome position (GRCh38, 1-based): chr3:10,098,768-10,098,773, AGTGAG deleted; deleting any 6 consecutive bases within chr3:10,098,764-10,098,773 gives the same sequence; the c. name uses the placement nearest the transcript's 3' end. VCF-style (leftmost placement, unchanged base first): chr3-10098763-ATGAGAG-A. GRCh37 (hg19) VCF-style: chr3-10140447-ATGAGAG-A.
Other names: c.4234_4239delAGTGAG (NM_033084.6); c.4234_4239del, p.Ser1412_Glu1413del (NM_001319984.2, NM_033084.6); c.4123_4128del, p.Ser1375_Glu1376del (NM_001374253.1); c.4195_4200del, p.Ser1399_Glu1400del (NM_001374254.1); c.*43+5429_*43+5434del (NM_173472.2).
Identifiers: ClinVar variation 342380 (VCV000342380.18), dbSNP rs766605179, ClinGen allele CA2250658.